The following is an entry in ClinVar:

ClinVar aggregate classification (germline): Uncertain significance. Review status: criteria provided, multiple submitters, no conflicts (2 of 4 stars). 2 submissions from 2 submitters: Uncertain significance (2). Last evaluated 2024-05-13.

Conditions:
LAMA2-related muscular dystrophy (LAMA2-RD). Also called: Laminin alpha 2-related dystrophy. Identifiers: MedGen C5679788, MONDO:0100228.
Inborn genetic diseases. Identifiers: MedGen C0950123, MeSH D030342.

Allele frequency attached by ClinVar (database versions not stated): gnomAD 0.00001; TOPMed 0.00001.
gnomAD v4.1: 2 of 1,613,872 alleles (0.00012%); highest among the groups gnomAD compares: African/African-American, 0.0013%; no homozygotes.

Submissions (2):

Ambry Genetics
Classification: Uncertain significance for Inborn genetic diseases. Last evaluated: 2024-05-13. Review status: criteria provided, single submitter. Criteria: Ambry Variant Classification Scheme 2023. Collection method: clinical testing. Allele origin: germline.

Labcorp Genetics (formerly Invitae), Labcorp
Classification: Uncertain significance for LAMA2-related muscular dystrophy. Last evaluated: 2019-06-18. Review status: criteria provided, single submitter. Criteria: Invitae Variant Classification Sherloc (09022015). Collection method: clinical testing. Allele origin: germline.
Comment: This sequence change replaces glycine with glutamic acid at codon 859 of the LAMA2 protein (p.Gly859Glu). The glycine residue is moderately conserved and there is a moderate physicochemical difference between glycine and glutamic acid. In summary, the available evidence is currently insufficient to determine the role of this variant in disease. Therefore, it has been classified as a Variant of Uncertain Significance. Algorithms developed to predict the effect of missense changes on protein structure and function are either unavailable or do not agree on the potential impact of this missense change (SIFT: "Deleterious"; PolyPhen-2: "Probably Damaging"; Align-GVGD: "Class C0"). This variant has not been reported in the literature in individuals with LAMA2-related disease. This variant is not present in population databases (ExAC no frequency).

NM_000426.4(LAMA2):c.2576G>A (p.Gly859Glu)

Gene: LAMA2 (laminin subunit alpha 2; plus strand). Cytogenetic location: 6q22.33.
Variant type: single nucleotide variant.
Coding change: c.2576G>A on transcript NM_000426.4 (MANE Select); coding-DNA position 2576, G replaced by A.
Protein change: p.Gly859Glu; replaces glycine 859 with glutamic acid.
Molecular consequence: missense variant.
Genome position (GRCh38, 1-based): chr6:129,287,885, G>A. VCF-style: chr6-129287885-G-A. GRCh37 (hg19) VCF-style: chr6-129609030-G-A.
Other names: c.2576G>A, p.Gly859Glu (NM_001079823.2); short protein forms G859E.
Identifiers: ClinVar variation 649921 (VCV000649921.12), dbSNP rs1002482702, ClinGen allele CA146892679.